The following is an entry in ClinVar:

NM_198576.4(AGRN):c.1395G>A (p.Pro465=)

Gene: AGRN (agrin; plus strand). Cytogenetic location: 1p36.33.
Variant type: single nucleotide variant.
Coding change: c.1395G>A on transcript NM_198576.4 (MANE Select); coding-DNA position 1395, G replaced by A.
Protein change: p.Pro465=; no amino-acid change (proline 465 retained).
Molecular consequence: synonymous variant.
Genome position (GRCh38, 1-based): chr1:1,043,249, G>A. VCF-style: chr1-1043249-G-A. GRCh37 (hg19) VCF-style: chr1-978629-G-A.
Other names: c.1395G>A, p.Pro465= (NM_001305275.2); c.1080G>A, p.Pro360= (NM_001364727.2).
Identifiers: ClinVar variation 474099 (VCV000474099.37), dbSNP rs367601178, ClinGen allele CA508171.

ClinVar aggregate classification (germline): Likely benign. Review status: criteria provided, multiple submitters, no conflicts (2 of 4 stars). 4 submissions from 4 submitters: Likely benign (4). Last evaluated 2025-10-06.

Conditions:
Congenital myasthenic syndrome 8. Also called: Myasthenic syndrome, congenital, 8, with pre- and postsynaptic defects; MYASTHENIC SYNDROME, CONGENITAL, DUE TO AGRIN DEFICIENCY. Identifiers: Orphanet 590, MedGen C3808739, MONDO:0014052, OMIM 615120.

Allele frequency attached by ClinVar (database versions not stated): ExAC 0.00006; gnomAD exomes 0.00006; gnomAD 0.00014 and 0.00015; TOPMed 0.00014; 1000 Genomes Project 30x 0.00031; ESP Exome Variant Server 0.00031; 1000 Genomes Project 0.00040.
gnomAD v4.1: 306 of 1,606,212 alleles (0.019%); highest among the groups gnomAD compares: Non-Finnish European, 0.023%; 1 homozygote.

Submissions (4):

Labcorp Genetics (formerly Invitae), Labcorp
Classification: Likely benign for Congenital myasthenic syndrome 8. Last evaluated: 2025-10-06. Review status: criteria provided, single submitter. Criteria: Invitae Variant Classification Sherloc (09022015). Collection method: clinical testing. Allele origin: germline.

Blueprint Genetics
Classification: Likely benign. Last evaluated: 2024-03-05. Review status: criteria provided, single submitter. Criteria: ACMG Guidelines, 2015. Collection method: clinical testing. Allele origin: germline.

CeGaT Center for Human Genetics Tuebingen
Classification: Likely benign. Last evaluated: 2023-08-01. Review status: criteria provided, single submitter. Criteria: CeGaT Center For Human Genetics Tuebingen Variant Classification Criteria Version 2. Collection method: clinical testing. Allele origin: germline. Affected: yes. Observed: 1 variant allele.
Comment: AGRN: BP4, BP7

Breakthrough Genomics
Classification: Likely benign. Review status: criteria provided, single submitter. Criteria: ACMG Guidelines, 2015. Collection method: not provided. Allele origin: germline. Inheritance: Autosomal recessive inheritance. Affected: yes.